The following is an entry in ClinVar:

ClinVar aggregate classification (germline): Uncertain significance (1 of 4 stars; one submission).

Allele frequency attached by ClinVar (database versions not stated): gnomAD 0.00001.
gnomAD v4.1: 1 of 1,606,628 alleles (0.000062%); highest among the groups gnomAD compares: African/African-American, 0.0013%; no homozygotes.

Submission:

Ambry Genetics
Classification: Uncertain significance. Last evaluated: 2022-01-21. Review status: criteria provided, single submitter. Criteria: Ambry Variant Classification Scheme 2023. Collection method: clinical testing. Allele origin: germline.
Comment: The p.Q178H variant (also known as c.534G>T), located in coding exon 1 of the TERF2IP gene, results from a G to T substitution at nucleotide position 534. The glutamine at codon 178 is replaced by histidine, an amino acid with highly similar properties. This amino acid position is conserved. In addition, this alteration is predicted to be deleterious by in silico analysis. Since supporting evidence is limited at this time, the clinical significance of this alteration remains unclear.

NM_018975.4(TERF2IP):c.534G>T (p.Gln178His)

Gene: TERF2IP (TERF2 interacting protein; plus strand). Cytogenetic location: 16q23.1.
Variant type: single nucleotide variant.
Coding change: c.534G>T on transcript NM_018975.4 (MANE Select); coding-DNA position 534, G replaced by T.
Protein change: p.Gln178His; replaces glutamine 178 with histidine.
Molecular consequence: missense variant. On other transcripts: non-coding transcript variant (1).
Genome position (GRCh38, 1-based): chr16:75,648,416, G>T. VCF-style: chr16-75648416-G-T. GRCh37 (hg19) VCF-style: chr16-75682314-G-T.
Other names: short protein forms Q178H.
Identifiers: ClinVar variation 1747002 (VCV001747002.2), dbSNP rs758945541, ClinGen allele CA396818113.